The following is an entry in ClinVar:

ClinVar aggregate classification (germline): Benign (1 of 4 stars; one submission).

Conditions:
Pseudohypoaldosteronism type 2C (PHA2C). Also called: Pseudohypoaldosteronism Type IIC. Identifiers: Orphanet 757, Orphanet 88940, MedGen C1840391, MONDO:0013778, OMIM 614492.

Allele frequency attached by ClinVar (database versions not stated): 1000 Genomes Project 0.01657; gnomAD 0.01692 and 0.01841; TOPMed 0.01954.

Submission:

Illumina Laboratory Services, Illumina
Classification: Benign for Pseudohypoaldosteronism type 2C. Last evaluated: 2018-01-12. Review status: criteria provided, single submitter. Criteria: ICSL Variant Classification Criteria 13 December 2019. Collection method: clinical testing. Allele origin: germline.
Comment: This variant was observed in the ICSL laboratory as part of a predisposition screen in an ostensibly healthy population. It had not been previously curated by ICSL or reported in the Human Gene Mutation Database (HGMD: prior to June 1st, 2018), and was therefore a candidate for classification through an automated scoring system. Utilizing variant allele frequency, disease prevalence and penetrance estimates, and inheritance mode, an automated score was calculated to assess if this variant is too frequent to cause the disease. Based on the score and internal cut-off values, a variant classified as benign is not then subjected to further curation. The score for this variant resulted in a classification of benign for this disease.

NM_018979.4(WNK1):c.*758C>G

Gene: WNK1 (WNK lysine deficient protein kinase 1; plus strand). Cytogenetic location: 12p13.33.
Variant type: single nucleotide variant.
Coding change: c.*758C>G on transcript NM_018979.4 (MANE Select); 758 bases downstream of the stop codon, C replaced by G.
Molecular consequence: 3 prime UTR variant.
Genome position (GRCh38, 1-based): chr12:909,550, C>G. VCF-style: chr12-909550-C-G. GRCh37 (hg19) VCF-style: chr12-1018716-C-G.
Other names: c.*758C>G (NM_001184985.2, NM_014823.3, NM_213655.5).
Identifiers: ClinVar variation 306680 (VCV000306680.5), dbSNP rs75767195, ClinGen allele CA10638752.
Genomic context (GRCh38, chr12:909,550, plus strand): 5'-TGTTGGACAACAGTAGTTTTAAGAGTAAAATATGAAACGTTTAAAAAGTTCCAAAAAAAG[C>G]TAGCTCTGTCCTTTACTTATTGAGACACTTTAACTTTTTCCTTTGTATTTCCATTGTATT-3'